The following is an entry in ClinVar:

ClinVar aggregate classification (germline): Uncertain significance (1 of 4 stars; one submission).

Conditions:
DYRK1A-related intellectual disability syndrome (MRD7). Also called: DYRK1A Syndrome; Intellectual developmental disorder, autosomal dominant 7. Identifiers: Orphanet 464306, MedGen C5568143, MONDO:0013578, OMIM 614104.

Allele frequency attached by ClinVar (database versions not stated): TOPMed below 0.00001.

Submission:

Labcorp Genetics (formerly Invitae), Labcorp
Classification: Uncertain significance for DYRK1A-related intellectual disability syndrome. Last evaluated: 2022-11-05. Review status: criteria provided, single submitter. Criteria: Invitae Variant Classification Sherloc (09022015). Collection method: clinical testing. Allele origin: germline.
Comment: In summary, the available evidence is currently insufficient to determine the role of this variant in disease. Therefore, it has been classified as a Variant of Uncertain Significance. Advanced modeling of protein sequence and biophysical properties (such as structural, functional, and spatial information, amino acid conservation, physicochemical variation, residue mobility, and thermodynamic stability) performed at Invitae indicates that this missense variant is not expected to disrupt DYRK1A protein function. This variant has not been reported in the literature in individuals affected with DYRK1A-related conditions. This variant is not present in population databases (gnomAD no frequency). This sequence change replaces alanine, which is neutral and non-polar, with threonine, which is neutral and polar, at codon 498 of the DYRK1A protein (p.Ala498Thr).

NM_001347721.2(DYRK1A):c.1465G>A (p.Ala489Thr)

Gene: DYRK1A (dual specificity tyrosine phosphorylation regulated kinase 1A; plus strand). Cytogenetic location: 21q22.13.
Variant type: single nucleotide variant.
Coding change: c.1465G>A on transcript NM_001347721.2 (MANE Select); coding-DNA position 1465, G replaced by A.
Protein change: p.Ala489Thr; replaces alanine 489 with threonine.
Molecular consequence: missense variant.
Genome position (GRCh38, 1-based): chr21:37,505,535, G>A. VCF-style: chr21-37505535-G-A. GRCh37 (hg19) VCF-style: chr21-38877838-G-A.
Other names: c.1465G>A, p.Ala489Thr (NM_001347722.2, NM_130436.2); c.1378G>A, p.Ala460Thr (NM_001347723.2); c.1492G>A, p.Ala498Thr (NM_001396.5, NM_101395.2, NM_130438.2); short protein forms A489T, A498T, A460T.
Identifiers: ClinVar variation 2885339 (VCV002885339.3), dbSNP rs774504682, ClinGen allele CA409938654.